The following is an entry in ClinVar:

NM_006859.4(LIAS):c.46-5T>C

Gene: LIAS (lipoic acid synthetase; plus strand). Cytogenetic location: 4p14.
Variant type: single nucleotide variant.
Coding change: c.46-5T>C on transcript NM_006859.4 (MANE Select); 5 bases into the intron before coding-DNA position 46, T replaced by C.
Molecular consequence: intron variant.
Genome position (GRCh38, 1-based): chr4:39,460,785, T>C. VCF-style: chr4-39460785-T-C. GRCh37 (hg19) VCF-style: chr4-39462405-T-C.
Other names: c.46-5T>C (NM_194451.3, NM_001278590.2, NM_001363700.2 and 3 more transcripts).
Identifiers: ClinVar variation 1080298 (VCV001080298.10), dbSNP rs764526355, ClinGen allele CA2894564.

ClinVar aggregate classification (germline): Conflicting classifications of pathogenicity. Review status: criteria provided, conflicting classifications (1 of 4 stars). 2 submissions from 2 submitters: Uncertain significance (1); Likely benign (1). Last evaluated 2026-02-03.

Conditions:
Inborn genetic diseases. Identifiers: MedGen C0950123, MeSH D030342.
Lipoic acid synthetase deficiency. Also called: HYPERGLYCINEMIA, LACTIC ACIDOSIS, AND SEIZURES. Identifiers: Orphanet 401859, MedGen C3280887, MONDO:0013762, OMIM 614462.

Allele frequency attached by ClinVar (database versions not stated): gnomAD exomes below 0.00001; ExAC 0.00001; TOPMed 0.00001.
gnomAD v4.1: 1 of 1,562,366 alleles (0.000064%); highest among the groups gnomAD compares: Admixed American, 0.0021%; no homozygotes.

Submissions (2):

Labcorp Genetics (formerly Invitae), Labcorp
Classification: Likely benign for Lipoic acid synthetase deficiency. Last evaluated: 2026-02-03. Review status: criteria provided, single submitter. Criteria: Invitae Variant Classification Sherloc (09022015). Collection method: clinical testing. Allele origin: germline.

Ambry Genetics
Classification: Uncertain significance for Inborn genetic diseases. Last evaluated: 2025-03-17. Review status: criteria provided, single submitter. Criteria: Ambry Variant Classification Scheme 2023. Collection method: clinical testing. Allele origin: germline.
Comment: The c.46-5T>C intronic alteration consists of a T to C substitution 5 nucleotides before coding exon 2 in the LIAS gene. Based on insufficient or conflicting evidence, the clinical significance of this alteration remains unclear.